The following is an entry in ClinVar:

ClinVar aggregate classification (germline): Uncertain significance. Review status: criteria provided, multiple submitters, no conflicts (2 of 4 stars). 2 submissions from 2 submitters: Uncertain significance (2). Last evaluated 2025-03-25.

Conditions:
Cardiovascular phenotype. Identifiers: MedGen CN230736.
Arrhythmogenic cardiomyopathy with wooly hair and keratoderma. Also called: Carvajal syndrome; PALMOPLANTAR KERATODERMA WITH LEFT VENTRICULAR CARDIOMYOPATHY AND WOOLLY HAIR; Dilated cardiomyopathy with woolly hair and keratoderma; Arrhythmogenic cardiomyopathy with woolly hair and keratoderma. Identifiers: Orphanet 65282, MedGen C1854063, MONDO:0011581, OMIM 605676.

Submissions (2):

Ambry Genetics
Classification: Uncertain significance for Cardiovascular phenotype. Last evaluated: 2025-03-25. Review status: criteria provided, single submitter. Criteria: Ambry Variant Classification Scheme 2023. Collection method: clinical testing. Allele origin: germline.
Comment: The p.S2551R variant (also known as c.7653C>G), located in coding exon 24 of the DSP gene, results from a C to G substitution at nucleotide position 7653. The serine at codon 2551 is replaced by arginine, an amino acid with dissimilar properties. This amino acid position is conserved. In addition, the in silico prediction for this alteration is inconclusive. Based on the available evidence, the clinical significance of this variant remains unclear.

All of Us Research Program, National Institutes of Health
Classification: Uncertain significance for Arrhythmogenic cardiomyopathy with wooly hair and keratoderma. Last evaluated: 2024-03-24. Review status: criteria provided, single submitter. Criteria: ACMG Guidelines, 2015. Collection method: clinical testing. Allele origin: germline. Inheritance: Autosomal dominant inheritance. Observed: 1 variant allele, 1 heterozygote.
Comment: This missense variant replaces serine with arginine at codon 2551 of the DSP protein. Computational prediction suggests that this variant may not impact protein structure and function (internally defined REVEL score threshold <= 0.5, PMID: 27666373). To our knowledge, functional studies have not been reported for this variant. This variant has not been reported in individuals affected with DSP-related disorders in the literature. This variant has not been identified in the general population by the Genome Aggregation Database (gnomAD). The available evidence is insufficient to determine the role of this variant in disease conclusively. Therefore, this variant is classified as a Variant of Uncertain Significance.

This study involves interpretation of variants in research participants for the purpose of population health screening. Participant phenotype was not available at the time of variant classification. Additional details can be found in publication PMID: 35346344, PMCID: PMC8962531

NM_004415.4(DSP):c.7653C>G (p.Ser2551Arg)

Gene: DSP (desmoplakin; plus strand). Cytogenetic location: 6p24.3.
Variant type: single nucleotide variant.
Coding change: c.7653C>G on transcript NM_004415.4 (MANE Select); coding-DNA position 7653, C replaced by G.
Protein change: p.Ser2551Arg; replaces serine 2551 with arginine.
Molecular consequence: missense variant.
Genome position (GRCh38, 1-based): chr6:7,584,915, C>G. VCF-style: chr6-7584915-C-G. GRCh37 (hg19) VCF-style: chr6-7585148-C-G.
Other names: c.5856C>G, p.Ser1952Arg (NM_001008844.3); c.6324C>G, p.Ser2108Arg (NM_001319034.2); short protein forms S1952R, S2108R, S2551R.
Identifiers: ClinVar variation 3386721 (VCV003386721.2).